The following is an entry in ClinVar:

ClinVar aggregate classification (germline): Likely benign. Review status: criteria provided, single submitter (1 of 4 stars). 2 submissions from 2 submitters: Likely benign (1). 1 of the submissions does not count toward it. Last evaluated 2025-08-09.

Conditions:
TONSL-related disorder. Also called: TONSL-related condition.

Allele frequency attached by ClinVar (database versions not stated): gnomAD exomes 0.00003; gnomAD 0.00004 and 0.00005; TOPMed 0.00005.
gnomAD v4.1: 54 of 1,611,448 alleles (0.0034%); highest among the groups gnomAD compares: East Asian, 0.0067%; no homozygotes.

Submissions (2):

Labcorp Genetics (formerly Invitae), Labcorp
Classification: Likely benign. Last evaluated: 2025-08-09. Review status: criteria provided, single submitter. Criteria: Invitae Variant Classification Sherloc (09022015). Collection method: clinical testing. Allele origin: germline.

PreventionGenetics, part of Exact Sciences
Classification: Likely benign for TONSL-related condition. Last evaluated: 2023-07-16. Review status: no assertion criteria provided. Collection method: clinical testing. Allele origin: germline. Not counted in ClinVar's aggregate classification.
Comment: This variant is classified as likely benign based on ACMG/AMP sequence variant interpretation guidelines (Richards et al. 2015 PMID: 25741868, with internal and published modifications).

NM_013432.5(TONSL):c.1653+9C>T

Genes: TONSL (tonsoku like, DNA repair protein; minus strand), TONSL-AS1 (TONSL antisense RNA 1; plus strand). Cytogenetic location: 8q24.3.
Variant type: single nucleotide variant.
Coding change: c.1653+9C>T on transcript NM_013432.5 (MANE Select); 9 bases into the intron after coding-DNA position 1653, C replaced by T.
Molecular consequence: intron variant.
Genome position (GRCh38, 1-based): chr8:144,438,462, G>A on the plus strand (C>T on the coding strand, the complement: TONSL is on the minus strand). VCF-style: chr8-144438462-G-A. GRCh37 (hg19) VCF-style: chr8-145663845-G-A.
Other names: c.1653+9C>T (NM_013432.4).
Identifiers: ClinVar variation 1603181 (VCV001603181.10), dbSNP rs1022798179, ClinGen allele CA187672243.